The following is an entry in ClinVar:

ClinVar aggregate classification (germline): Conflicting classifications of pathogenicity. Review status: criteria provided, conflicting classifications (1 of 4 stars). 4 submissions from 4 submitters: Likely pathogenic (1); Uncertain significance (3). Last evaluated 2025-12-22.

Conditions:
Autosomal recessive limb-girdle muscular dystrophy type 2J (LGMDR10). Also called: Limb-girdle muscular dystrophy, type 2J; MUSCULAR DYSTROPHY, LIMB-GIRDLE, AUTOSOMAL RECESSIVE 10. Identifiers: Orphanet 140922, MedGen C1837342, MONDO:0012127, OMIM 608807.
Dilated cardiomyopathy 1G (CMD1G). Identifiers: Orphanet 154, MedGen C1858763, MONDO:0011400, OMIM 604145.

Allele frequency attached by ClinVar (database versions not stated): gnomAD exomes below 0.00001.

Submissions (4):

Labcorp Genetics (formerly Invitae), Labcorp
Classification: Likely pathogenic for Dilated cardiomyopathy 1G; Autosomal recessive limb-girdle muscular dystrophy type 2J. Last evaluated: 2025-12-22. Review status: criteria provided, single submitter. Criteria: Invitae Variant Classification Sherloc (09022015). Collection method: clinical testing. Allele origin: germline.
Comment: This sequence change creates a premature translational stop signal (p.Lys13279Argfs*31) in the TTN gene. While this is not anticipated to result in nonsense mediated decay, it is expected to create a truncated TTN protein. This variant is not present in population databases (gnomAD no frequency). This premature translational stop signal has been observed in individual(s) with limb-girdle muscular dystrophy (internal data). ClinVar contains an entry for this variant (Variation ID: 290292). This variant is located in the I band of TTN (PMID: 25589632). Truncating variants in this region have been reported in individuals affected with autosomal recessive centronuclear myopathy (PMID: 23975875, internal data). Truncating variants in this region have also been identified in individuals affected with autosomal dominant dilated cardiomyopathy and/or cardio-related conditions (PMID: 27869827, 32964742, internal data). In summary, the currently available evidence indicates that the variant is pathogenic, but additional data are needed to prove that conclusively. Therefore, this variant has been classified as Likely Pathogenic.

GeneDx
Classification: Uncertain significance. Last evaluated: 2022-12-09. Review status: criteria provided, single submitter. Criteria: GeneDx Variant Classification Process June 2021. Collection method: clinical testing. Allele origin: germline. Affected: yes.
Comment: Not observed at significant frequency in large population cohorts (gnomAD); Frameshift variant predicted to result in protein truncation or nonsense mediated decay in a gene or region of a gene for which loss of function is not a well-established mechanism of disease; Has not been previously published as pathogenic or benign to our knowledge; Located in a region of TTN within the I-band in which the majority of loss of function variants are significantly associated with autosomal dominant titinopathies (Deo et al., 2016; Schafer et al., 2017)

ARUP Laboratories, Molecular Genetics and Genomics, ARUP Laboratories
Classification: Uncertain significance. Last evaluated: 2020-01-16. Review status: criteria provided, single submitter. Criteria: ARUP Molecular Germline Variant Investigation Process. Collection method: clinical testing. Allele origin: germline.
Comment: The TTN c.39834delG; p.Lys13279ArgfsTer31 variant (rs886044415), to our knowledge, is not reported in the medical literature but is reported in ClinVar (Variation ID: 290292). This variant is absent from general population databases (Exome Variant Server, Genome Aggregation Database), indicating it is not a common polymorphism. This variant causes a frameshift by deleting a single nucleotide, so it is predicted to result in a truncated protein or mRNA subject to nonsense-mediated decay (NMD). However, the exon carrying this variant is estimated to be present in only 8% of TTN transcripts (Robest 2015). Thus, only a small portion of TTN mRNAs would be subject to NMD due to this variant, and it is unclear if this proportion would be clinically significant. Given the lack of clinical and functional data, the significance of the c.39834delG variant is uncertain at this time. References: Linke WA and Hamdani N. Gigantic business: titin properties and function through thick and thin. Circ Res 2014; 114(6): 1052-1068. Roberts AM et al. Integrated allelic, transcriptional, and phenomic dissection of the cardiac effects of titin truncations in health and disease. Sci Transl Med. 2015 Jan 14;7(270):270ra6.

Eurofins Ntd Llc (ga)
Classification: Uncertain significance. Last evaluated: 2016-09-13. Review status: criteria provided, single submitter. Criteria: EGL Classification Definitions 2015. Collection method: clinical testing. Allele origin: germline. Observed: 1 variant allele, 1 heterozygote.

Literature cited by the submitters: PubMed 25589632 (cited by Labcorp Genetics (formerly Invitae), Labcorp); PubMed 23975875 (cited by Labcorp Genetics (formerly Invitae), Labcorp); PubMed 27869827 (cited by Labcorp Genetics (formerly Invitae), Labcorp); PubMed 32964742 (cited by Labcorp Genetics (formerly Invitae), Labcorp).

NM_001267550.2(TTN):c.39834del (p.Lys13279fs)

Gene: TTN (titin; minus strand). Cytogenetic location: 2q31.2.
Variant type: Deletion.
Coding change: c.39834del on transcript NM_001267550.2 (MANE Select); coding-DNA position 39834, one base deleted (G; older notation c.39834delG).
Protein change: p.Lys13279fs; shifts the reading frame from lysine 13279.
Molecular consequence: frameshift variant. On other transcripts: intron variant (3).
Genome position (GRCh38, 1-based): chr2:178,649,878, C deleted on the plus strand (G on the coding strand, the reverse complement: TTN is on the minus strand). VCF-style (leftmost placement, unchanged base first): chr2-178649877-TC-T. GRCh37 (hg19) VCF-style: chr2-179514604-TC-T.
Other names: c.39834del (NM_001267550.1); c.35313del, p.Lys11772fs (NM_001256850.1); c.32532del, p.Lys10845fs (NM_133378.4); c.13283-7561del (NM_003319.4); c.13859-7561del (NM_133437.4); c.13658-7561del (NM_133432.3); short protein forms K10845fs, K11772fs, K13279fs.
Identifiers: ClinVar variation 290292 (VCV000290292.19), dbSNP rs886044415, ClinGen allele CA10606725.